The following is an entry in ClinVar:

ClinVar aggregate classification (germline): Pathogenic (1 of 4 stars; one submission).

Conditions:
Autosomal recessive spinocerebellar ataxia 10. Identifiers: Orphanet 284289, MedGen C3150998, MONDO:0013392, OMIM 613728.

Submission:

Myriad Genetics, Inc.
Classification: Pathogenic for Autosomal recessive spinocerebellar ataxia 10. Last evaluated: 2025-08-26. Review status: criteria provided, single submitter. Criteria: Myriad Autosomal Dominant, Autosomal Recessive and X-Linked Classification Criteria (2023). Collection method: clinical testing. Allele origin: unknown.
Comment: NM_018075.3(ANO10):c.1396A>T(K466*) is expected to be pathogenic in the context of spinocerebellar ataxia, ANO10-related. This variant is predicted to lead to an abnormal or absent protein product due to the creation of a premature termination codon in ANO10, a gene where loss-of-function variants are known to be pathogenic. Please note: this variant was assessed in the context of healthy population screening.

NM_018075.5(ANO10):c.1396A>T (p.Lys466Ter)

Gene: ANO10 (anoctamin 10; minus strand). Cytogenetic location: 3p22.1.
Variant type: single nucleotide variant.
Coding change: c.1396A>T on transcript NM_018075.5 (MANE Select); coding-DNA position 1396, A replaced by T.
Protein change: p.Lys466Ter; replaces lysine 466 with a stop codon.
Molecular consequence: nonsense.
Genome position (GRCh38, 1-based): chr3:43,561,300, T>A on the plus strand (A>T on the coding strand, the complement: ANO10 is on the minus strand). VCF-style: chr3-43561300-T-A. GRCh37 (hg19) VCF-style: chr3-43602792-T-A.
Other names: c.1396A>T, p.Lys466Ter (NM_001204831.3, NM_001346463.2, NM_001346464.2 and 3 more transcripts); c.1198A>T, p.Lys400Ter (NM_001204832.3, NM_001346466.2, NM_001346469.2); c.1063A>T, p.Lys355Ter (NM_001204833.3); c.826A>T, p.Lys276Ter (NM_001204834.3); short protein forms K276*, K355*, K400*, K466*.
Identifiers: ClinVar variation 5014916 (VCV005014916.1).
Genomic context (GRCh38, chr3:43,561,300, plus strand): 5'-TTTCCAGGATGACTTGTTCATATAATGTAGCATCAATGTCTGCCTTTAAAGCCTGCACCT[T>A]CCTCTTCACCCGCACACCATGCTTCCTTTGGAGCCAATAAGGAAGAAAAGATTCCATAAT-3'